The following is an entry in ClinVar:

ClinVar aggregate classification (germline): Pathogenic. Review status: criteria provided, multiple submitters, no conflicts (2 of 4 stars). 3 submissions from 3 submitters: Pathogenic (3). Last evaluated 2025-12-18.

Conditions:
Tay-Sachs disease (TSD). Also called: HEXA Disorders; GM2 gangliosidosis, type 1; Hexosaminidase alpha-subunit deficiency (variant B); Sphingolipidosis, Tay-Sachs; Hexosaminidase A Deficiency; HEXA DEFICIENCY. Identifiers: Orphanet 845, MedGen C0039373, MONDO:0010100, OMIM 272800.

Submissions (3):

Natera, Inc.
Classification: Pathogenic for Tay-Sachs disease. Last evaluated: 2025-12-18. Review status: criteria provided, single submitter. Criteria: Natera Variant Classification Schema (03/2026). Collection method: clinical testing. Allele origin: germline.
Comment: The c.1A>T variant in HEXA is predicted to result in start loss due to disruption of the initiator methionine. This variant is expected to result in nonsense mediated decay, truncation, or a dysfunctional protein product. This variant is rare in the general population with a frequency below the threshold expected for the associated phenotype(s). This variant has been observed in one or more individuals affected with the associated recessive disease, as either homozygous or compound heterozygous with a second variant (PMID: 9153525). Given the available evidence, this variant is classified as Pathogenic.

Labcorp Genetics (formerly Invitae), Labcorp
Classification: Pathogenic for Tay-Sachs disease. Last evaluated: 2024-01-12. Review status: criteria provided, single submitter. Criteria: Invitae Variant Classification Sherloc (09022015). Collection method: clinical testing. Allele origin: germline.
Comment: This sequence change affects the initiator methionine of the HEXA mRNA. The next in-frame methionine is located at codon 193. This variant is not present in population databases (gnomAD no frequency). Disruption of the initiator codon has been observed in individual(s) with hexosaminidase A deficiency (PMID: 1532289, 21796138). In at least one individual the data is consistent with being in trans (on the opposite chromosome) from a pathogenic variant. ClinVar contains an entry for this variant (Variation ID: 496858). For these reasons, this variant has been classified as Pathogenic.

Eurofins Ntd Llc (ga)
Classification: Pathogenic. Last evaluated: 2017-03-02. Review status: criteria provided, single submitter. Criteria: EGL Classification Definitions 2015. Collection method: clinical testing. Allele origin: germline. Observed: 2 variant alleles, 2 heterozygotes.

Literature cited by the submitters: PubMed 9153525 (cited by Natera, Inc. and Eurofins Ntd Llc (ga)); PubMed 1532289 (cited by Labcorp Genetics (formerly Invitae), Labcorp); PubMed 21796138 (cited by Labcorp Genetics (formerly Invitae), Labcorp); PubMed 15108204 (cited by Eurofins Ntd Llc (ga)).

NM_000520.6(HEXA):c.1A>T (p.Met1Leu)

Gene: HEXA (hexosaminidase subunit alpha; minus strand). Cytogenetic location: 15q23.
Variant type: single nucleotide variant.
Coding change: c.1A>T on transcript NM_000520.6 (MANE Select); coding-DNA position 1, A replaced by T.
Protein change: p.Met1Leu; changes the start codon (methionine 1).
Molecular consequence: missense variant, initiator codon variant. On other transcripts: non-coding transcript variant (1).
Genome position (GRCh38, 1-based): chr15:72,375,972, T>A on the plus strand (A>T on the coding strand, the complement: HEXA is on the minus strand). VCF-style: chr15-72375972-T-A. GRCh37 (hg19) VCF-style: chr15-72668313-T-A.
Other names: c.1A>T (NM_000520.5); c.1A>T, p.Met1Leu (NM_001318825.2); short protein forms M1L.
Identifiers: ClinVar variation 496858 (VCV000496858.10), dbSNP rs121907965, ClinGen allele CA393070916.
Genomic context (GRCh38, chr15:72,375,972, plus strand): 5'-TCGCCCGTCCTGCGAACGCTGCCGCCAGCAGCAGCGAAAACCAAAGCCTGGAGCTTGTCA[T>A]GGCCCGCTGGTCTCCCCTCTCGGAGGGGGCTGGCCACGTGAGACCCTGGTCAGGTGAGCG-3'
Protein context (NP_000511.2, residues 1-11): [Met1Leu]TSSRLWFSLL